The following is an entry in ClinVar:

NM_000540.3(RYR1):c.11631T>A (p.Asp3877Glu)

Gene: RYR1 (ryanodine receptor 1; plus strand). Cytogenetic location: 19q13.2.
Variant type: single nucleotide variant.
Coding change: c.11631T>A on transcript NM_000540.3 (MANE Select); coding-DNA position 11631, T replaced by A.
Protein change: p.Asp3877Glu; replaces aspartic acid 3877 with glutamic acid.
Molecular consequence: missense variant.
Genome position (GRCh38, 1-based): chr19:38,537,902, T>A. VCF-style: chr19-38537902-T-A. GRCh37 (hg19) VCF-style: chr19-39028542-T-A.
Other names: c.11616T>A, p.Asp3872Glu (NM_001042723.2); short protein forms D3872E, D3877E.
Identifiers: ClinVar variation 3069549 (VCV003069549.1), dbSNP rs1273529085, ClinGen allele CA405658138.

ClinVar aggregate classification (germline): Uncertain significance (1 of 4 stars; one submission).

Conditions:
Malignant hyperthermia, susceptibility to, 1 (MHS1). Also called: RYR1-Related Malignant Hyperthermia Susceptibility; Anesthesia related hyperthermia; Malignant hyperpyrexia; Fulminating hyperpyrexia; Pharmacogenic myopathy; Malignant hyperthermia suceptibility 1. Identifiers: Orphanet 423, MedGen C2930980, MONDO:0007783, OMIM 145600.

gnomAD v4.1: 1 of 1,614,004 alleles (0.000062%); highest among the groups gnomAD compares: Non-Finnish European, 0.000085%; no homozygotes.

Submission:

All of Us Research Program, National Institutes of Health
Classification: Uncertain significance for Malignant hyperthermia, susceptibility to, 1. Last evaluated: 2023-03-04. Review status: criteria provided, single submitter. Criteria: ACMG Guidelines, 2015. Collection method: clinical testing. Allele origin: germline. Inheritance: Autosomal dominant inheritance. Observed: 1 variant allele, 1 heterozygote.
Comment: This study involves interpretation of variants in research participants for the purpose of population health screening. Participant phenotype was not available at the time of variant classification. Additional details can be found in publication PMID: 35346344, PMCID: PMC8962531